The following is an entry in ClinVar:

ClinVar aggregate classification (germline): Uncertain significance (1 of 4 stars; one submission).

Submission:

GeneDx
Classification: Uncertain significance. Last evaluated: 2024-08-02. Review status: criteria provided, single submitter. Criteria: GeneDx Variant Classification Process June 2021. Collection method: clinical testing. Allele origin: germline. Affected: yes.
Comment: Not observed at significant frequency in large population cohorts (gnomAD); In silico analysis indicates that this missense variant does not alter protein structure/function; Has not been previously published as pathogenic or benign to our knowledge

NM_001394998.1(TANC2):c.4412C>T (p.Pro1471Leu)

Gene: TANC2 (tetratricopeptide repeat, ankyrin repeat and coiled-coil containing 2; plus strand). Cytogenetic location: 17q23.3.
Variant type: single nucleotide variant.
Coding change: c.4412C>T on transcript NM_001394998.1 (MANE Select); coding-DNA position 4412, C replaced by T.
Protein change: p.Pro1471Leu; replaces proline 1471 with leucine.
Molecular consequence: missense variant.
Genome position (GRCh38, 1-based): chr17:63,420,142, C>T. VCF-style: chr17-63420142-C-T. GRCh37 (hg19) VCF-style: chr17-61497503-C-T.
Other names: c.4190C>T, p.Pro1397Leu (NM_001411076.1); c.4160C>T, p.Pro1387Leu (NM_025185.4); short protein forms P1387L, P1397L, P1471L.
Identifiers: ClinVar variation 3602161 (VCV003602161.1).